The following is an entry in ClinVar:

ClinVar aggregate classification (germline): Conflicting classifications of pathogenicity. Review status: criteria provided, conflicting classifications (1 of 4 stars). 2 submissions from 2 submitters: Uncertain significance (1); Likely benign (1). Last evaluated 2026-01-26.

Conditions:
Hereditary cancer-predisposing syndrome. Also called: Neoplastic Syndromes, Hereditary; Tumor predisposition; Hereditary Cancer Syndrome; Hereditary neoplastic syndrome. Identifiers: Orphanet 140162, MedGen C0027672, MeSH D009386, MONDO:0015356.
Birt-Hogg-Dube syndrome. Also called: Birt Hogg Dubé syndrome. Identifiers: Orphanet 122, MedGen C0346010, MONDO:0800444.

Allele frequency attached by ClinVar (database versions not stated): gnomAD exomes 0.00001.
gnomAD v4.1: 3 of 1,614,204 alleles (0.00019%); highest among the groups gnomAD compares: Admixed American, 0.005%; no homozygotes.

Submissions (2):

Ambry Genetics
Classification: Likely benign for Hereditary cancer-predisposing syndrome. Last evaluated: 2026-01-26. Review status: criteria provided, single submitter. Criteria: Ambry Variant Classification Scheme 2023. Collection method: clinical testing. Allele origin: germline.

Labcorp Genetics (formerly Invitae), Labcorp
Classification: Uncertain significance for Birt-Hogg-Dube syndrome. Last evaluated: 2026-01-13. Review status: criteria provided, single submitter. Criteria: Invitae Variant Classification Sherloc (09022015). Collection method: clinical testing. Allele origin: germline.
Comment: This sequence change replaces tyrosine, which is neutral and polar, with histidine, which is basic and polar, at codon 95 of the FLCN protein (p.Tyr95His). This variant is present in population databases (no rsID available, gnomAD 0.009%). This variant has not been reported in the literature in individuals affected with FLCN-related conditions. ClinVar contains an entry for this variant (Variation ID: 1423249). Invitae Evidence Modeling of protein sequence and biophysical properties (such as structural, functional, and spatial information, amino acid conservation, physicochemical variation, residue mobility, and thermodynamic stability) has been performed for this missense variant. However, the output from this modeling did not meet the statistical confidence thresholds required to predict the impact of this variant on FLCN protein function. In summary, the available evidence is currently insufficient to determine the role of this variant in disease. Therefore, it has been classified as a Variant of Uncertain Significance.

NM_144997.7(FLCN):c.283T>C (p.Tyr95His)

Gene: FLCN (folliculin; minus strand). Cytogenetic location: 17p11.2.
Variant type: single nucleotide variant.
Coding change: c.283T>C on transcript NM_144997.7 (MANE Select); coding-DNA position 283, T replaced by C.
Protein change: p.Tyr95His; replaces tyrosine 95 with histidine.
Molecular consequence: missense variant.
Genome position (GRCh38, 1-based): chr17:17,226,289, A>G on the plus strand (T>C on the coding strand, the complement: FLCN is on the minus strand). VCF-style: chr17-17226289-A-G. GRCh37 (hg19) VCF-style: chr17-17129603-A-G.
Other names: c.283T>C, p.Tyr95His (NM_001353229.2, NM_001353230.2, NM_001353231.2 and 1 more transcripts); c.283T>C (NM_144997.5); short protein forms Y95H.
Identifiers: ClinVar variation 1423249 (VCV001423249.9), dbSNP rs1343904562, ClinGen allele CA398534935.